The following is an entry in ClinVar:

NM_006767.4(LZTR1):c.373G>A (p.Val125Ile)

Gene: LZTR1 (leucine zipper like post translational regulator 1; plus strand). Cytogenetic location: 22q11.21.
Variant type: single nucleotide variant.
Coding change: c.373G>A on transcript NM_006767.4 (MANE Select); coding-DNA position 373, G replaced by A.
Protein change: p.Val125Ile; replaces valine 125 with isoleucine.
Molecular consequence: missense variant.
Genome position (GRCh38, 1-based): chr22:20,987,556, G>A. VCF-style: chr22-20987556-G-A. GRCh37 (hg19) VCF-style: chr22-21341845-G-A.
Other names: short protein forms V125I.
Identifiers: ClinVar variation 1370567 (VCV001370567.35), dbSNP rs775434314, ClinGen allele CA10118395.
Genomic context (GRCh38, chr22:20,987,556, plus strand): 5'-CACCCCAGGGCCTTTACCACTGGGACCCCACCGGCCCCCCGTTACCACCACTCGGCCGTC[G>A]TCTATGGGAGCAGCATGTTTGTCTTTGGTAAGCAGCCTCTTGCCTCCCAGGGGCTGTGTC-3'
Protein context (NP_006758.2, residues 115-135): PAPRYHHSAV[Val125Ile]YGSSMFVFGG

ClinVar aggregate classification (germline): Uncertain significance. Review status: criteria provided, multiple submitters, no conflicts (2 of 4 stars). 7 submissions from 7 submitters: Uncertain significance (7). Last evaluated 2026-05-21.

Conditions:
Hereditary cancer-predisposing syndrome. Also called: Hereditary Cancer Syndrome; Tumor predisposition; Neoplastic Syndromes, Hereditary; Hereditary neoplastic syndrome. Identifiers: Orphanet 140162, MedGen C0027672, MeSH D009386, MONDO:0015356.
Cardiovascular phenotype. Identifiers: MedGen CN230736.
LZTR1-related disorder. Also called: LZTR1-related disorders; LZTR1-related condition.
Noonan syndrome 10 (NS10). Identifiers: Orphanet 648, MedGen C4225280, MONDO:0014693, OMIM 616564.
LZTR1-related schwannomatosis. Also called: Schwannomatosis-2, susceptibility to; Schwannomatosis 2. Identifiers: Orphanet 93921, MedGen C3810283, MONDO:0014299, OMIM 615670.

Allele frequency attached by ClinVar (database versions not stated): gnomAD 0.00007; TOPMed 0.00011.
gnomAD v4.1: 56 of 1,613,980 alleles (0.0035%); highest among the groups gnomAD compares: African/African-American, 0.011%; no homozygotes.

Submissions (7):

GeneDx
Classification: Uncertain significance. Last evaluated: 2026-05-21. Review status: criteria provided, single submitter. Criteria: GeneDx Variant Classification Process June 2021. Collection method: clinical testing. Allele origin: germline.
Comment: Reported in an individual with cafe-au-lait macules in published literature (PMID: 39140257); In silico analysis suggests that this missense variant does not alter protein structure/function; This variant is associated with the following publications: (PMID: 39140257)

Labcorp Genetics (formerly Invitae), Labcorp
Classification: Uncertain significance. Last evaluated: 2026-02-02. Review status: criteria provided, single submitter. Criteria: Invitae Variant Classification Sherloc (09022015). Collection method: clinical testing. Allele origin: germline.
Comment: This sequence change replaces valine, which is neutral and non-polar, with isoleucine, which is neutral and non-polar, at codon 125 of the LZTR1 protein (p.Val125Ile). This variant is present in population databases (rs775434314, gnomAD 0.01%). This missense change has been observed in individual(s) with clinical features of LZTR1-related conditions (PMID: 39140257). ClinVar contains an entry for this variant (Variation ID: 1370567). Invitae Evidence Modeling of protein sequence and biophysical properties (such as structural, functional, and spatial information, amino acid conservation, physicochemical variation, residue mobility, and thermodynamic stability) indicates that this missense variant is not expected to disrupt LZTR1 protein function with a negative predictive value of 80%. In summary, the available evidence is currently insufficient to determine the role of this variant in disease. Therefore, it has been classified as a Variant of Uncertain Significance.

Baylor Genetics
Classification: Uncertain significance for LZTR1-related schwannomatosis. Last evaluated: 2024-02-06. Review status: criteria provided, single submitter. Criteria: ACMG Guidelines, 2015. Collection method: clinical testing. Allele origin: unknown.

Ambry Genetics
Classification: Uncertain significance for Cardiovascular phenotype; Hereditary cancer-predisposing syndrome. Last evaluated: 2024-01-10. Review status: criteria provided, single submitter. Criteria: Ambry Variant Classification Scheme 2023. Collection method: clinical testing. Allele origin: germline.
Comment: The p.V125I variant (also known as c.373G>A), located in coding exon 4 of the LZTR1 gene, results from a G to A substitution at nucleotide position 373. The valine at codon 125 is replaced by isoleucine, an amino acid with highly similar properties. This amino acid position is highly conserved in available vertebrate species. In addition, this alteration is predicted to be tolerated by in silico analysis. Since supporting evidence is limited at this time, the clinical significance of this alteration remains unclear.

CeGaT Center for Human Genetics Tuebingen
Classification: Uncertain significance. Last evaluated: 2023-08-01. Review status: criteria provided, single submitter. Criteria: CeGaT Center For Human Genetics Tuebingen Variant Classification Criteria Version 2. Collection method: clinical testing. Allele origin: germline. Affected: yes. Observed: 1 variant allele.

St. Jude Molecular Pathology, St. Jude Children's Research Hospital
Classification: Uncertain significance for Noonan syndrome 10. Last evaluated: 2023-04-14. Review status: criteria provided, single submitter. Criteria: St. Jude Assertion Criteria 2020. Collection method: clinical testing. Allele origin: germline.
Comment: The LZTR1 c.373G>A (p.Val125Ile) missense change has a maximum frequency of 0.012% in gnomAD v2.1.1. The in silico tool REVEL predicts a benign effect on protein function, but to our knowledge this prediction has not been confirmed by functional studies. To our knowledge, this variant has not been reported in individuals with Noonan syndrome or schwannomatosis. In summary, the evidence currently available is insufficient to determine the clinical significance of this variant. It has therefore been classified as of uncertain significance.??

PreventionGenetics, part of Exact Sciences
Classification: Uncertain significance for LZTR1-related condition. Last evaluated: 2022-10-10. Review status: criteria provided, single submitter. Criteria: ACMG Guidelines, 2015. Collection method: clinical testing. Allele origin: germline.
Comment: The LZTR1 c.373G>A variant is predicted to result in the amino acid substitution p.Val125Ile. To our knowledge, this variant has not been reported in the literature. This variant is reported in 0.012% of alleles in individuals of African descent in gnomAD. At this time, the clinical significance of this variant is uncertain due to the absence of conclusive functional and genetic evidence.

Literature cited by the submitters: PubMed 39140257 (cited by Labcorp Genetics (formerly Invitae), Labcorp).